The following is an entry in ClinVar:

NM_016169.4(SUFU):c.600C>T (p.Ile200=)

Gene: SUFU (SUFU negative regulator of hedgehog signaling; plus strand). Cytogenetic location: 10q24.32.
Variant type: single nucleotide variant.
Coding change: c.600C>T on transcript NM_016169.4 (MANE Select); coding-DNA position 600, C replaced by T.
Protein change: p.Ile200=; no amino-acid change (isoleucine 200 retained).
Molecular consequence: synonymous variant.
Genome position (GRCh38, 1-based): chr10:102,593,638, C>T. VCF-style: chr10-102593638-C-T. GRCh37 (hg19) VCF-style: chr10-104353395-C-T.
Other names: c.600C>T, p.Ile200= (NM_001178133.2).
Identifiers: ClinVar variation 413912 (VCV000413912.78), dbSNP rs149513330, ClinGen allele CA5667730.

ClinVar aggregate classification (germline): Conflicting classifications of pathogenicity. Review status: criteria provided, conflicting classifications (1 of 4 stars). 17 submissions from 17 submitters: Uncertain significance (1); Benign (5); Likely benign (8). 3 of the submissions do not count toward it. Last evaluated 2026-08-01.

Conditions:
Basal cell nevus syndrome 2 (BCNS2). Also called: NEVOID BASAL CELL CARCINOMA SYNDROME 2. Identifiers: MedGen C5830451, MONDO:0958189, OMIM 620343.
Joubert syndrome 32 (JBTS32). Identifiers: MedGen C4540342, MONDO:0033309, OMIM 617757.
Familial meningioma. Also called: Meningioma, familial, susceptibility to. Identifiers: Orphanet 263662, MedGen C3551915, MONDO:0011789, OMIM 607174.
Medulloblastoma (MDB). Also called: MEDULLOBLASTOMA PREDISPOSITION SYNDROME; Medulloblastoma, somatic. Identifiers: Orphanet 616, MedGen C0025149, MeSH D008527, MONDO:0007959, OMIM 155255, HP:0002885.
Hereditary cancer-predisposing syndrome. Also called: Hereditary neoplastic syndrome; Neoplastic Syndromes, Hereditary; Hereditary Cancer Syndrome; Tumor predisposition. Identifiers: Orphanet 140162, MedGen C0027672, MeSH D009386, MONDO:0015356.
Gorlin syndrome. Also called: Nevoid Basal Cell Carcinoma Syndrome; Basal cell nevus syndrome. Identifiers: Orphanet 377, MedGen C0004779, MONDO:0007187.

Allele frequency attached by ClinVar (database versions not stated): 1000 Genomes Project 30x 0.00078; 1000 Genomes Project 0.00100; gnomAD 0.00116 and 0.00120; TOPMed 0.00125; ESP Exome Variant Server 0.00131; gnomAD exomes 0.00131; ExAC 0.00139.
gnomAD v4.1: 2,853 of 1,614,112 alleles (0.18%); highest among the groups gnomAD compares: Middle Eastern, 0.28%; 3 homozygotes.

Submissions (17):

CeGaT Center for Human Genetics Tuebingen
Classification: Likely benign. Last evaluated: 2026-08-01. Review status: criteria provided, single submitter. Criteria: CeGaT Center For Human Genetics Tuebingen Variant Classification Criteria Version 2. Collection method: clinical testing. Allele origin: germline. Affected: yes. Observed: 27 variant alleles.
Comment: SUFU: BP4, BP7

Labcorp Genetics (formerly Invitae), Labcorp
Classification: Benign for Gorlin syndrome; Medulloblastoma. Last evaluated: 2026-02-03. Review status: criteria provided, single submitter. Criteria: Invitae Variant Classification Sherloc (09022015). Collection method: clinical testing. Allele origin: germline.

Quest Diagnostics Nichols Institute San Juan Capistrano
Classification: Benign. Last evaluated: 2025-07-02. Review status: criteria provided, single submitter. Criteria: Quest Diagnostics criteria. Collection method: clinical testing. Allele origin: unknown.

Center for Genomic Medicine, Rigshospitalet, Copenhagen University Hospital
Classification: Likely benign. Last evaluated: 2025-03-04. Review status: criteria provided, single submitter. Criteria: ACMG Guidelines, 2015. Collection method: clinical testing. Allele origin: germline.

Blueprint Genetics
Classification: Benign. Last evaluated: 2024-10-30. Review status: criteria provided, single submitter. Criteria: ACMG Guidelines, 2015. Collection method: clinical testing. Allele origin: germline.

ARUP Laboratories, Molecular Genetics and Genomics, ARUP Laboratories
Classification: Likely benign. Last evaluated: 2023-10-02. Review status: criteria provided, single submitter. Criteria: ARUP Molecular Germline Variant Investigation Process 2024. Collection method: clinical testing. Allele origin: germline.

KCCC/NGS Laboratory, Kuwait Cancer Control Center
Classification: Benign for Familial meningioma. Last evaluated: 2023-07-07. Review status: criteria provided, single submitter. Criteria: ACMG Guidelines, 2015. Collection method: clinical testing. Allele origin: germline. Affected: yes.

Department of Pathology and Laboratory Medicine, Sinai Health System
Classification: Benign for Medulloblastoma; Familial meningioma; Joubert syndrome 32; Basal cell nevus syndrome 2. Last evaluated: 2022-07-20. Review status: criteria provided, single submitter. Criteria: ACMG Guidelines, 2015. Collection method: clinical testing. Allele origin: germline. Affected: yes.

Genetic Services Laboratory, University of Chicago
Classification: Likely benign. Last evaluated: 2021-06-22. Review status: criteria provided, single submitter. Criteria: ACMG Guidelines, 2015. Collection method: clinical testing. Allele origin: germline. Affected: no.

Sema4
Classification: Likely benign for Hereditary cancer-predisposing syndrome. Last evaluated: 2021-05-06. Review status: criteria provided, single submitter. Criteria: Sema4 Curation Guidelines. Collection method: curation. Allele origin: germline.

Ambry Genetics
Classification: Likely benign for Hereditary cancer-predisposing syndrome. Last evaluated: 2019-03-07. Review status: criteria provided, single submitter. Criteria: Ambry Variant Classification Scheme 2023. Collection method: clinical testing. Allele origin: germline.

Eurofins Ntd Llc (ga)
Classification: Uncertain significance. Last evaluated: 2018-04-03. Review status: criteria provided, single submitter. Criteria: EGL ClinVar v180209 classification definitions. Collection method: clinical testing. Allele origin: germline. Observed: 1 variant allele, 1 heterozygote.

GeneDx
Classification: Likely benign. Last evaluated: 2017-07-09. Review status: criteria provided, single submitter. Criteria: GeneDx Variant Classification (06012015). Collection method: clinical testing. Allele origin: germline. Affected: yes.
Comment: This variant is considered likely benign or benign based on one or more of the following criteria: it is a conservative change, it occurs at a poorly conserved position in the protein, it is predicted to be benign by multiple in silico algorithms, and/or has population frequency not consistent with disease.

Illumina Laboratory Services, Illumina
Classification: Likely benign for Medulloblastoma. Last evaluated: 2017-04-27. Review status: criteria provided, single submitter. Criteria: ICSL Variant Classification Criteria 13 December 2019. Collection method: clinical testing. Allele origin: germline.
Comment: This variant was observed as part of a predisposition screen in an ostensibly healthy population. A literature search was performed for the gene, cDNA change, and amino acid change (where applicable). No publications were found based on this search. Allele frequency data from public databases allowed determination this variant is unlikely to cause disease. Therefore, this variant is classified as likely benign.

Clinical Genetics DNA and cytogenetics Diagnostics Lab, Erasmus MC, Erasmus Medical Center
Classification: Likely benign. Review status: no assertion criteria provided. Collection method: clinical testing. Allele origin: germline. Affected: yes. Study: VKGL Data-share Consensus. Not counted in ClinVar's aggregate classification.

Genome Diagnostics Laboratory, Amsterdam University Medical Center
Classification: Likely benign. Review status: no assertion criteria provided. Collection method: clinical testing. Allele origin: germline. Affected: yes. Study: VKGL Data-share Consensus. Not counted in ClinVar's aggregate classification.

Joint Genome Diagnostic Labs from Nijmegen and Maastricht, Radboudumc and MUMC+
Classification: Likely benign. Review status: no assertion criteria provided. Collection method: clinical testing. Allele origin: germline. Affected: yes. Study: VKGL Data-share Consensus. Not counted in ClinVar's aggregate classification.

Literature cited by the submitters: PubMed 21188540 (cited by Quest Diagnostics Nichols Institute San Juan Capistrano and Ambry Genetics).